The following is an entry in ClinVar:

NM_000256.3(MYBPC3):c.3148G>T (p.Glu1050Ter)

Gene: MYBPC3 (myosin binding protein C3; minus strand). Cytogenetic location: 11p11.2.
Variant type: single nucleotide variant.
Coding change: c.3148G>T on transcript NM_000256.3 (MANE Select); coding-DNA position 3148, G replaced by T.
Protein change: p.Glu1050Ter; replaces glutamic acid 1050 with a stop codon.
Molecular consequence: nonsense.
Genome position (GRCh38, 1-based): chr11:47,333,599, C>A on the plus strand (G>T on the coding strand, the complement: MYBPC3 is on the minus strand). VCF-style: chr11-47333599-C-A. GRCh37 (hg19) VCF-style: chr11-47355150-C-A.
Other names: short protein forms E1050*.
Identifiers: ClinVar variation 4856624 (VCV004856624.1).

ClinVar aggregate classification (germline): Pathogenic (1 of 4 stars; one submission).

Conditions:
Hypertrophic cardiomyopathy 4. Also called: Familial hypertrophic cardiomyopathy 4. Identifiers: MedGen C1861862, MONDO:0007268, OMIM 115197.

Submission:

Molecular Genetics Laboratory, Motol Hospital
Classification: Pathogenic for Hypertrophic cardiomyopathy 4. Last evaluated: 2026-06-04. Review status: criteria provided, single submitter. Criteria: ACMG Guidelines, 2015. Collection method: clinical testing. Allele origin: germline. Affected: yes. Observed: 1 variant allele.
Comment: A rare variant not present in non-Finnish European population (PM2). Rare truncating variants in the MYBPC3 gene are associated with autosomal dominant familial hypertrophic cardiomyopathy (PVS1). The variant is classified as pathogenic.

Literature cited by the submitters: PubMed 30586709; PubMed 11499719.